The following is an entry in ClinVar:

ClinVar aggregate classification (germline): Conflicting classifications of pathogenicity. Review status: criteria provided, conflicting classifications (1 of 4 stars). 2 submissions from 2 submitters: Uncertain significance (1); Likely benign (1). Last evaluated 2025-12-17.

Allele frequency attached by ClinVar (database versions not stated): gnomAD exomes below 0.00001; gnomAD 0.00005.
gnomAD v4.1: 11 of 1,608,126 alleles (0.00068%); highest among the groups gnomAD compares: Non-Finnish European, 0.00093%; no homozygotes.

Submissions (2):

Labcorp Genetics (formerly Invitae), Labcorp
Classification: Uncertain significance. Last evaluated: 2025-12-17. Review status: criteria provided, single submitter. Criteria: Invitae Variant Classification Sherloc (09022015). Collection method: clinical testing. Allele origin: germline.
Comment: This sequence change falls in intron 20 of the OPA1 gene. It does not directly change the encoded amino acid sequence of the OPA1 protein. It affects a nucleotide within the consensus splice site. This variant is present in population databases (no rsID available, gnomAD 0.06%). This variant has not been reported in the literature in individuals affected with OPA1-related conditions. ClinVar contains an entry for this variant (Variation ID: 2705401). Variants that disrupt the consensus splice site are a relatively common cause of aberrant splicing (PMID: 17576681, 9536098). Algorithms developed to predict the effect of sequence changes on RNA splicing suggest that this variant is not likely to affect RNA splicing. In summary, the available evidence is currently insufficient to determine the role of this variant in disease. Therefore, it has been classified as a Variant of Uncertain Significance.

Blueprint Genetics
Classification: Likely benign. Last evaluated: 2019-10-25. Review status: criteria provided, single submitter. Criteria: ACMG Guidelines, 2015. Collection method: clinical testing. Allele origin: germline.

Literature cited by the submitters: PubMed 17576681 (cited by Labcorp Genetics (formerly Invitae), Labcorp); PubMed 9536098 (cited by Labcorp Genetics (formerly Invitae), Labcorp).

NM_130837.3(OPA1):c.2179-3T>C

Gene: OPA1 (OPA1 mitochondrial dynamin like GTPase; plus strand). Cytogenetic location: 3q29.
Variant type: single nucleotide variant.
Coding change: c.2179-3T>C on transcript NM_130837.3 (MANE Select); 3 bases into the intron before coding-DNA position 2179, T replaced by C.
Molecular consequence: intron variant.
Genome position (GRCh38, 1-based): chr3:193,657,077, T>C. VCF-style: chr3-193657077-T-C. GRCh37 (hg19) VCF-style: chr3-193374866-T-C.
Other names: c.1642-3T>C (NM_001354664.2); c.1645-3T>C (NM_001354663.2); c.2068-3T>C (NM_130834.3); c.2125-3T>C (NM_130836.3); c.2014-3T>C (NM_015560.3); c.2071-3T>C (NM_130835.3); c.1960-3T>C (NM_130832.3); c.2017-3T>C (NM_130833.3); and 1 more.
Identifiers: ClinVar variation 2705401 (VCV002705401.4), dbSNP rs1395016916, ClinGen allele CA548823908.
Genomic context (GRCh38, chr3:193,657,077, plus strand): 5'-TTTCATGTTAACCATTGAAGTATGTAGTAATAATATGGCTTTTTTTCTTTCAAATAATTA[T>C]AGGTTGCTTGGGAGACCCTACAAGAAGAATTTTCCCGCTTTATGACAGAACCGAAAGGGA-3'